The following is an entry in ClinVar:

NM_001267550.2(TTN):c.16886G>A (p.Ser5629Asn)

Genes: TTN (titin; minus strand), LOC126806431 (CDK7 strongly-dependent group 2 enhancer GRCh37_chr2:179595719-179596918; plus strand). Cytogenetic location: 2q31.2.
Variant type: single nucleotide variant.
Coding change: c.16886G>A on transcript NM_001267550.2 (MANE Select); coding-DNA position 16886, G replaced by A.
Protein change: p.Ser5629Asn; replaces serine 5629 with asparagine.
Molecular consequence: missense variant. On other transcripts: intron variant (3).
Genome position (GRCh38, 1-based): chr2:178,732,083, C>T on the plus strand (G>A on the coding strand, the complement: TTN is on the minus strand). VCF-style: chr2-178732083-C-T. GRCh37 (hg19) VCF-style: chr2-179596810-C-T.
Other names: c.15935G>A, p.Ser5312Asn (NM_001256850.1); c.13154G>A, p.Ser4385Asn (NM_133378.4); c.13282+5999G>A (NM_003319.4); c.13858+5999G>A (NM_133437.4); c.13657+5999G>A (NM_133432.3); short protein forms S4385N, S5629N, S5312N.
Identifiers: ClinVar variation 805705 (VCV000805705.5), dbSNP rs758096327, ClinGen allele CA2001964.

ClinVar aggregate classification (germline): Uncertain significance. Review status: criteria provided, multiple submitters, no conflicts (2 of 4 stars). 3 submissions from 3 submitters: Uncertain significance (3). Last evaluated 2025-01-03.

Allele frequency attached by ClinVar (database versions not stated): gnomAD exomes below 0.00001 and 0.00001; ExAC 0.00001.
gnomAD v4.1: 4 of 1,609,824 alleles (0.00025%); highest among the groups gnomAD compares: Admixed American, 0.005%; no homozygotes.

Submissions (3):

GeneDx
Classification: Uncertain significance. Last evaluated: 2025-01-03. Review status: criteria provided, single submitter. Criteria: GeneDx Variant Classification Process June 2021. Collection method: clinical testing. Allele origin: germline. Affected: yes.
Comment: Reported previously as a de novo variant in a patient with a developmental disorder; however, no further clinical information was provided and the patient also harbored another de novo variant (PMID: 33057194); Not observed at significant frequency in large population cohorts (gnomAD); Missense variant in a gene in which most reported pathogenic variants are truncating/loss of function; This variant is associated with the following publications: (PMID: 35982159, 33057194)

Revvity Omics, Revvity
Classification: Uncertain significance. Last evaluated: 2019-11-05. Review status: criteria provided, single submitter. Criteria: ACMG Guidelines, 2015. Collection method: clinical testing. Allele origin: germline.

Athena Diagnostics
Classification: Uncertain significance. Last evaluated: 2018-09-14. Review status: criteria provided, single submitter. Criteria: Athena Diagnostics Criteria. Collection method: clinical testing. Allele origin: germline.